The following is an entry in ClinVar:

ClinVar aggregate classification (germline): Uncertain significance. Review status: criteria provided, multiple submitters, no conflicts (2 of 4 stars). 2 submissions from 2 submitters: Uncertain significance (2). Last evaluated 2026-03-31.

Conditions:
Familial melanoma. Also called: Hereditary melanoma; Hereditary cutaneous melanoma. Identifiers: Orphanet 618, MedGen C1512419, MONDO:0018961.
Hereditary cancer-predisposing syndrome. Also called: Hereditary Cancer Syndrome; Hereditary neoplastic syndrome; Neoplastic Syndromes, Hereditary; Tumor predisposition. Identifiers: Orphanet 140162, MedGen C0027672, MeSH D009386, MONDO:0015356.

Submissions (2):

Ambry Genetics
Classification: Uncertain significance for Hereditary cancer-predisposing syndrome. Last evaluated: 2026-03-31. Review status: criteria provided, single submitter. Criteria: Ambry Variant Classification Scheme 2023. Collection method: clinical testing. Allele origin: germline.
Comment: The p.I154F variant (also known as c.460A>T), located in coding exon 3 of the CDKN2A gene, results from an A to T substitution at nucleotide position 460. The isoleucine at codon 154 is replaced by phenylalanine, an amino acid with highly similar properties. This amino acid position is poorly conserved in available vertebrate species. In addition, the in silico prediction for this alteration is inconclusive. Based on the available evidence, the clinical significance of this variant remains unclear.

Labcorp Genetics (formerly Invitae), Labcorp
Classification: Uncertain significance for Familial melanoma. Last evaluated: 2024-12-19. Review status: criteria provided, single submitter. Criteria: Invitae Variant Classification Sherloc (09022015). Collection method: clinical testing. Allele origin: germline.
Comment: This sequence change replaces isoleucine, which is neutral and non-polar, with phenylalanine, which is neutral and non-polar, at codon 154 of the CDKN2A (p16INK4a) protein (p.Ile154Phe). This variant is not present in population databases (gnomAD no frequency). This variant has not been reported in the literature in individuals affected with CDKN2A (p16INK4a)-related conditions. An algorithm developed to predict the effect of missense changes on protein structure and function (PolyPhen-2) suggests that this variant is likely to be tolerated. In summary, the available evidence is currently insufficient to determine the role of this variant in disease. Therefore, it has been classified as a Variant of Uncertain Significance.

NM_000077.5(CDKN2A):c.460A>T (p.Ile154Phe)

Gene: CDKN2A (cyclin dependent kinase inhibitor 2A; minus strand). Cytogenetic location: 9p21.3.
Variant type: single nucleotide variant.
Coding change: c.460A>T on transcript NM_000077.5; coding-DNA position 460, A replaced by T.
Protein change: p.Ile154Phe; replaces isoleucine 154 with phenylalanine.
Molecular consequence: missense variant (on NM_000077.6). On other transcripts: 3 prime UTR variant (3).
Genome position (GRCh38, 1-based): chr9:21,968,240, T>A on the plus strand (A>T on the coding strand, the complement: CDKN2A is on the minus strand). VCF-style: chr9-21968240-T-A. GRCh37 (hg19) VCF-style: chr9-21968239-T-A.
Other names: c.460A>T, p.Ile154Phe (NM_000077.6); c.*153A>T (NM_001195132.2); c.307A>T, p.Ile103Phe (NM_001363763.2); c.*104A>T (NM_058195.4); c.*383A>T (NM_058197.5); short protein forms I103F, I154F.
Identifiers: ClinVar variation 3630775 (VCV003630775.3).
Genomic context (GRCh38, chr9:21,968,240, plus strand): 5'-GACTGATGATCTAAGTTTCCCGAGGTTTCTCAGAGCCTCTCTGGTTCTTTCAATCGGGGA[T>A]GTCTGCAGAGGGCAGAAAGAAAACAGGCGTTAGAAACCTGAGGTCAAAGATGTGTGGCAC-3'
Protein context (NP_000068.1, residues 144-156): RIDAAEGPSD[Ile154Phe]PD